The following is an entry in ClinVar:

ClinVar aggregate classification (germline): Conflicting classifications of pathogenicity. Review status: criteria provided, conflicting classifications (1 of 4 stars). 3 submissions from 3 submitters: Likely pathogenic (1); Uncertain significance (1). 1 of the submissions does not count toward it. Last evaluated 2026-03-03.

Conditions:
Tuberous sclerosis syndrome (TSC). Also called: Tuberous Sclerosis Complex; Tuberous sclerosis. Identifiers: Orphanet 805, MedGen C0041341, MONDO:0001734.
Tuberous sclerosis 2 (TSC2). Identifiers: Orphanet 805, MedGen C1860707, MONDO:0013199, OMIM 613254.

Submissions (3):

GeneDx
Classification: Likely pathogenic. Last evaluated: 2026-03-03. Review status: criteria provided, single submitter. Criteria: GeneDx Variant Classification Process June 2021. Collection method: clinical testing. Allele origin: germline.
Comment: Not observed at significant frequency in large population cohorts (gnomAD); In silico analysis supports a deleterious effect on splicing; This variant is associated with the following publications: (PMID: 15798777, 32211034)

Labcorp Genetics (formerly Invitae), Labcorp
Classification: Uncertain significance for Tuberous sclerosis 2. Last evaluated: 2019-01-26. Review status: criteria provided, single submitter. Criteria: Invitae Variant Classification Sherloc (09022015). Collection method: clinical testing. Allele origin: germline.
Comment: In summary, the available evidence is currently insufficient to determine the role of this variant in disease. Therefore, it has been classified as a Variant of Uncertain Significance. Nucleotide substitutions within the consensus splice site are a relatively common cause of aberrant splicing (PMID: 17576681, 9536098). Algorithms developed to predict the effect of sequence changes on RNA splicing suggest that this variant may disrupt the consensus splice site, but this prediction has not been confirmed by published transcriptional studies. This variant has been reported in individuals in the Leiden Open-source Variation Database (PMID: 21520333). ClinVar contains an entry for this variant (Variation ID: 65188). This variant is not present in population databases (ExAC no frequency). This sequence change falls in intron 6 of the TSC2 gene. It does not directly change the encoded amino acid sequence of the TSC2 protein, but it affects a nucleotide within the consensus splice site of the intron.

Tuberous sclerosis database (TSC2)
No classification provided. Condition: TSC. Review status: no classification provided. Criteria: Tuberous Sclerosis Database Assertion Criteria 2015. Collection method: curation. Allele origin: germline. Affected: yes. Not counted in ClinVar's aggregate classification.

Literature cited by the submitters: PubMed 17576681 (cited by Labcorp Genetics (formerly Invitae), Labcorp); PubMed 9536098 (cited by Labcorp Genetics (formerly Invitae), Labcorp); PubMed 21520333 (cited by Labcorp Genetics (formerly Invitae), Labcorp).

NM_000548.5(TSC2):c.599+4A>G

Gene: TSC2 (TSC complex subunit 2; plus strand). Cytogenetic location: 16p13.3.
Variant type: single nucleotide variant.
Coding change: c.599+4A>G on transcript NM_000548.5 (MANE Select); 4 bases into the intron after coding-DNA position 599, A replaced by G.
Molecular consequence: intron variant.
Genome position (GRCh38, 1-based): chr16:2,055,523, A>G. VCF-style: chr16-2055523-A-G. GRCh37 (hg19) VCF-style: chr16-2105524-A-G.
Other names: c.599+4A>G (NM_001114382.3, NM_021055.3, NM_001370405.1 and 3 more transcripts); c.488+4A>G (NM_001318827.2); c.-1-673A>G (NM_001318831.2); c.452+4A>G (NM_001318829.2); c.632+4A>G (NM_001318832.2).
Identifiers: ClinVar variation 65188 (VCV000065188.8), dbSNP rs397515140, ClinGen allele CA022641.